The following is an entry in ClinVar:

ClinVar aggregate classification (germline): Benign/Likely benign. Review status: criteria provided, multiple submitters, no conflicts (2 of 4 stars). 5 submissions from 5 submitters: Benign (2); Likely benign (3). Last evaluated 2026-01-12.

Allele frequency attached by ClinVar (database versions not stated): gnomAD exomes 0.00011 and 0.00038; gnomAD 0.00015 and 0.00020; TOPMed 0.00029; ExAC 0.00030; 1000 Genomes Project 0.00140; 1000 Genomes Project 30x 0.00156.
gnomAD v4.1: 225 of 1,614,194 alleles (0.014%); highest among the groups gnomAD compares: East Asian, 0.41%; 2 homozygotes.

Submissions (5):

Labcorp Genetics (formerly Invitae), Labcorp
Classification: Benign. Last evaluated: 2026-01-12. Review status: criteria provided, single submitter. Criteria: Invitae Variant Classification Sherloc (09022015). Collection method: clinical testing. Allele origin: germline.

Mayo Clinic Laboratories, Mayo Clinic
Classification: Likely benign. Last evaluated: 2025-10-14. Review status: criteria provided, single submitter. Criteria: ACMG Guidelines, 2015. Collection method: clinical testing. Allele origin: germline. Observed: 3 variant alleles.
Comment: BP4, BP7

Blueprint Genetics
Classification: Likely benign. Last evaluated: 2024-09-24. Review status: criteria provided, single submitter. Criteria: ACMG Guidelines, 2015. Collection method: clinical testing. Allele origin: germline.

GeneDx
Classification: Likely benign. Last evaluated: 2016-10-11. Review status: criteria provided, single submitter. Criteria: GeneDx Variant Classification (06012015). Collection method: clinical testing. Allele origin: germline. Affected: yes.
Comment: This variant is considered likely benign or benign based on one or more of the following criteria: it is a conservative change, it occurs at a poorly conserved position in the protein, it is predicted to be benign by multiple in silico algorithms, and/or has population frequency not consistent with disease.

PreventionGenetics, part of Exact Sciences
Classification: Benign. Review status: criteria provided, single submitter. Criteria: ACMG Guidelines, 2015. Collection method: clinical testing. Allele origin: germline.

NM_020381.4(PDSS2):c.1149G>A (p.Glu383=)

Gene: PDSS2 (decaprenyl diphosphate synthase subunit 2; minus strand). Cytogenetic location: 6q21.
Variant type: single nucleotide variant.
Coding change: c.1149G>A on transcript NM_020381.4 (MANE Select); coding-DNA position 1149, G replaced by A.
Protein change: p.Glu383=; no amino-acid change (glutamic acid 383 retained).
Molecular consequence: synonymous variant.
Genome position (GRCh38, 1-based): chr6:107,154,670, C>T on the plus strand (G>A on the coding strand, the complement: PDSS2 is on the minus strand). VCF-style: chr6-107154670-C-T. GRCh37 (hg19) VCF-style: chr6-107475874-C-T.
Other names: p.Glu383=.
Identifiers: ClinVar variation 261251 (VCV000261251.12), dbSNP rs139493398, ClinGen allele CA3945896.
Genomic context (GRCh38, chr6:107,154,670, plus strand): 5'-AATTTGATGTCATGAAAATCTGGTCACAGCAAACACAATGTTTTCTAAAGCAGATCTGGC[C>T]TCCGAGGGAGGAAAGCTCTCCAGGGCCTCCAGTGCCTTGTTTCCATGGTAACGACACAGG-3'
Protein context (NP_065114.3, residues 373-393): LEALESFPPS[Glu383=]ARSALENIVF